The following is an entry in ClinVar:

NM_021956.5(GRIK2):c.2612G>T (p.Cys871Phe)

Gene: GRIK2 (glutamate ionotropic receptor kainate type subunit 2; plus strand). Cytogenetic location: 6q16.3.
Variant type: single nucleotide variant.
Coding change: c.2612G>T on transcript NM_021956.5 (MANE Select); coding-DNA position 2612, G replaced by T.
Protein change: p.Cys871Phe; replaces cysteine 871 with phenylalanine.
Molecular consequence: missense variant. On other transcripts: 3 prime UTR variant (2).
Genome position (GRCh38, 1-based): chr6:102,068,396, G>T. VCF-style: chr6-102068396-G-T. GRCh37 (hg19) VCF-style: chr6-102516271-G-T.
Other names: c.*65G>T (NM_001166247.1); c.*89G>T (NM_175768.3); short protein forms C871F.
Identifiers: ClinVar variation 3717296 (VCV003717296.2).
Genomic context (GRCh38, chr6:102,068,396, plus strand): 5'-TTCTTCTGTAGAGGTCCTTCTGTAGTGCCATGGTAGAAGAATTGAGGATGTCCCTGAAGT[G>T]CCAGCGTCGGTTAAAACATAAGCCACAGGCCCCAGTTATTGTGAAAACAGAAGAAGTTAT-3'
Protein context (NP_068775.1, residues 861-881): MVEELRMSLK[Cys871Phe]QRRLKHKPQA

ClinVar aggregate classification (germline): Uncertain significance (1 of 4 stars; one submission).

Submission:

Labcorp Genetics (formerly Invitae), Labcorp
Classification: Uncertain significance. Last evaluated: 2024-12-13. Review status: criteria provided, single submitter. Criteria: Invitae Variant Classification Sherloc (09022015). Collection method: clinical testing. Allele origin: germline.
Comment: This sequence change replaces cysteine, which is neutral and slightly polar, with phenylalanine, which is neutral and non-polar, at codon 871 of the GRIK2 protein (p.Cys871Phe). This variant is not present in population databases (gnomAD no frequency). This variant has not been reported in the literature in individuals affected with GRIK2-related conditions. An algorithm developed to predict the effect of missense changes on protein structure and function (PolyPhen-2) suggests that this variant is likely to be disruptive. In summary, the available evidence is currently insufficient to determine the role of this variant in disease. Therefore, it has been classified as a Variant of Uncertain Significance.